The following is an entry in ClinVar:

ClinVar aggregate classification (germline): Conflicting classifications of pathogenicity. Review status: criteria provided, conflicting classifications (1 of 4 stars). 3 submissions from 3 submitters: Uncertain significance (1); Likely benign (2). Last evaluated 2024-02-23.

Conditions:
Early-infantile DEE. Also called: Ohtahara syndrome; Early infantile epileptic encephalopathy with suppression bursts; Early infantile epileptic encephalopathy. Identifiers: Orphanet 1934, MedGen C0393706, MONDO:0800491.
Early Myoclonic Encephalopathy. Identifiers: MedGen C0270855.

Allele frequency attached by ClinVar (database versions not stated): TOPMed 0.00001.

Submissions (3):

Labcorp Genetics (formerly Invitae), Labcorp
Classification: Likely benign for Early-infantile DEE. Last evaluated: 2024-02-23. Review status: criteria provided, single submitter. Criteria: Invitae Variant Classification Sherloc (09022015). Collection method: clinical testing. Allele origin: germline.

CeGaT Center for Human Genetics Tuebingen
Classification: Likely benign. Last evaluated: 2023-07-01. Review status: criteria provided, single submitter. Criteria: CeGaT Center For Human Genetics Tuebingen Variant Classification Criteria Version 2. Collection method: clinical testing. Allele origin: germline. Affected: yes. Observed: 1 variant allele.
Comment: SLC25A22: BP4, BP7

Illumina Laboratory Services, Illumina
Classification: Uncertain significance for Developmental and epileptic encephalopathy, 3. Last evaluated: 2018-01-12. Review status: criteria provided, single submitter. Criteria: ICSL Variant Classification Criteria 13 December 2019. Collection method: clinical testing. Allele origin: germline.

NM_001191061.2(SLC25A22):c.327G>C (p.Ala109=)

Gene: SLC25A22 (solute carrier family 25 member 22; minus strand). Cytogenetic location: 11p15.5.
Variant type: single nucleotide variant.
Coding change: c.327G>C on transcript NM_001191061.2 (MANE Select); coding-DNA position 327, G replaced by C.
Protein change: p.Ala109=; no amino-acid change (alanine 109 retained).
Molecular consequence: synonymous variant.
Genome position (GRCh38, 1-based): chr11:792,955, C>G on the plus strand (G>C on the coding strand, the complement: SLC25A22 is on the minus strand). VCF-style: chr11-792955-C-G. GRCh37 (hg19) VCF-style: chr11-792955-C-G.
Other names: c.327G>C, p.Ala109= (NM_001191060.2, NM_024698.6).
Identifiers: ClinVar variation 306267 (VCV000306267.38), dbSNP rs141975755, ClinGen allele CA5789237.
Genomic context (GRCh38, chr11:792,955, plus strand): 5'-GATCTTCAGCATCTCCATGGGCGTGGTCACGATCACCTGGCAGGTGCCAGCCCCACAGCC[C>G]GCCAGCATCTCTTTAAGCAGGGTCAGCTTCTGCCTGTGGTAGGGGCGGGGCCGCAGTAAG-3'
Protein context (NP_001177990.1, residues 99-119): QKLTLLKEML[Ala109=]GCGAGTCQVI